The following is an entry in ClinVar:

NM_001242896.3(DEPDC5):c.3680C>T (p.Ala1227Val)

Gene: DEPDC5 (DEP domain containing 5, GATOR1 subcomplex subunit; plus strand). Cytogenetic location: 22q12.3.
Variant type: single nucleotide variant.
Coding change: c.3680C>T on transcript NM_001242896.3 (MANE Select); coding-DNA position 3680, C replaced by T.
Protein change: p.Ala1227Val; replaces alanine 1227 with valine.
Molecular consequence: missense variant. On other transcripts: non-coding transcript variant (4).
Genome position (GRCh38, 1-based): chr22:31,874,389, C>T. VCF-style: chr22-31874389-C-T. GRCh37 (hg19) VCF-style: chr22-32270375-C-T.
Other names: c.3653C>T, p.Ala1218Val (NM_001136029.4); c.3380C>T, p.Ala1127Val (NM_001242897.2); c.3614C>T, p.Ala1205Val (NM_001363852.2, NM_001364320.2); c.3446C>T, p.Ala1149Val (NM_001363854.2, NM_001364319.2); c.3680C>T, p.Ala1227Val (NM_001364318.2); c.3596C>T, p.Ala1199Val (NM_001369901.1, NM_001369902.1); c.3587C>T, p.Ala1196Val (NM_001369903.1, NM_014662.6); short protein forms A1127V, A1196V, A1149V, A1199V, A1218V, A1227V, A1205V.
Identifiers: ClinVar variation 4737107 (VCV004737107.1).

ClinVar aggregate classification (germline): Uncertain significance (1 of 4 stars; one submission).

Conditions:
Familial focal epilepsy with variable foci (FPEVF). Identifiers: Orphanet 98820, MedGen C1858477, MONDO:0020310.

gnomAD v4.1: 1 of 1,612,244 alleles (0.000062%); highest among the groups gnomAD compares: South Asian, 0.0011%; no homozygotes.

Submission:

Labcorp Genetics (formerly Invitae), Labcorp
Classification: Uncertain significance for Familial focal epilepsy with variable foci. Last evaluated: 2025-05-01. Review status: criteria provided, single submitter. Criteria: Invitae Variant Classification Sherloc (09022015). Collection method: clinical testing. Allele origin: germline.
Comment: This sequence change replaces alanine, which is neutral and non-polar, with valine, which is neutral and non-polar, at codon 1227 of the DEPDC5 protein (p.Ala1227Val). This variant is not present in population databases (gnomAD no frequency). This variant has not been reported in the literature in individuals affected with DEPDC5-related conditions. Experimental studies and prediction algorithms are not available or were not evaluated, and the functional significance of this variant is currently unknown. In summary, the available evidence is currently insufficient to determine the role of this variant in disease. Therefore, it has been classified as a Variant of Uncertain Significance.